The following is an entry in ClinVar:

NM_022124.6(CDH23):c.2105G>T (p.Arg702Leu)

Gene: CDH23 (cadherin related 23; plus strand). Cytogenetic location: 10q22.1.
Variant type: single nucleotide variant.
Coding change: c.2105G>T on transcript NM_022124.6 (MANE Select); coding-DNA position 2105, G replaced by T.
Protein change: p.Arg702Leu; replaces arginine 702 with leucine.
Molecular consequence: missense variant.
Genome position (GRCh38, 1-based): chr10:71,690,513, G>T. VCF-style: chr10-71690513-G-T. GRCh37 (hg19) VCF-style: chr10-73450270-G-T.
Other names: c.2105G>T, p.Arg702Leu (NM_001171930.2, NM_001171931.2); short protein forms R702L.
Identifiers: ClinVar variation 3901362 (VCV003901362.1).

ClinVar aggregate classification (germline): Uncertain significance (1 of 4 stars; one submission).

gnomAD v4.1: 21 of 1,611,478 alleles (0.0013%); highest among the groups gnomAD compares: Non-Finnish European, 0.0017%; no homozygotes.

Submission:

GeneDx
Classification: Uncertain significance. Last evaluated: 2024-12-09. Review status: criteria provided, single submitter. Criteria: GeneDx Variant Classification Process June 2021. Collection method: clinical testing. Allele origin: germline. Affected: yes.
Comment: Not observed at significant frequency in large population cohorts (gnomAD); In silico analysis supports that this missense variant has a deleterious effect on protein structure/function; Has not been previously published as pathogenic or benign to our knowledge